The following is an entry in ClinVar:

NM_001029883.3(PCARE):c.2597G>A (p.Gly866Glu)

Gene: PCARE (photoreceptor cilium actin regulator; minus strand). Cytogenetic location: 2p23.2.
Variant type: single nucleotide variant.
Coding change: c.2597G>A on transcript NM_001029883.3 (MANE Select); coding-DNA position 2597, G replaced by A.
Protein change: p.Gly866Glu; replaces glycine 866 with glutamic acid.
Molecular consequence: missense variant.
Genome position (GRCh38, 1-based): chr2:29,071,665, C>T on the plus strand (G>A on the coding strand, the complement: PCARE is on the minus strand). VCF-style: chr2-29071665-C-T. GRCh37 (hg19) VCF-style: chr2-29294531-C-T.
Other names: short protein forms G866E.
Identifiers: ClinVar variation 1924545 (VCV001924545.4), dbSNP rs78792039, ClinGen allele CA1592163.

ClinVar aggregate classification (germline): Uncertain significance. Review status: criteria provided, multiple submitters, no conflicts (2 of 4 stars). 2 submissions from 2 submitters: Uncertain significance (2). Last evaluated 2024-11-05.

Allele frequency attached by ClinVar (database versions not stated): gnomAD 0.00005; TOPMed 0.00006; ESP Exome Variant Server 0.00008; gnomAD exomes 0.00009; ExAC 0.00014; 1000 Genomes Project 30x 0.00016.
gnomAD v4.1: 138 of 1,614,028 alleles (0.0086%); highest among the groups gnomAD compares: Non-Finnish European, 0.011%; no homozygotes.

Submissions (2):

Labcorp Genetics (formerly Invitae), Labcorp
Classification: Uncertain significance. Last evaluated: 2024-11-05. Review status: criteria provided, single submitter. Criteria: Invitae Variant Classification Sherloc (09022015). Collection method: clinical testing. Allele origin: germline.
Comment: This sequence change replaces glycine, which is neutral and non-polar, with glutamic acid, which is acidic and polar, at codon 866 of the PCARE protein (p.Gly866Glu). This variant is present in population databases (rs78792039, gnomAD 0.02%). This variant has not been reported in the literature in individuals affected with PCARE-related conditions. ClinVar contains an entry for this variant (Variation ID: 1924545). An algorithm developed to predict the effect of missense changes on protein structure and function outputs the following: PolyPhen-2: "Benign". The glutamic acid amino acid residue is found in multiple mammalian species, which suggests that this missense change does not adversely affect protein function. In summary, the available evidence is currently insufficient to determine the role of this variant in disease. Therefore, it has been classified as a Variant of Uncertain Significance.

Blueprint Genetics
Classification: Uncertain significance. Last evaluated: 2024-03-15. Review status: criteria provided, single submitter. Criteria: ACMG Guidelines, 2015. Collection method: clinical testing. Allele origin: germline.